The following is an entry in ClinVar:

ClinVar aggregate classification (germline): Uncertain significance (1 of 4 stars; one submission).

Conditions:
NIK deficiency. Also called: Primary immunodeficiency with multifaceted aberrant lymphoid immunity. Identifiers: Orphanet 447731, MedGen C5680065, MONDO:0018642.

Allele frequency attached by ClinVar (database versions not stated): ExAC below 0.00001; TOPMed below 0.00001; gnomAD exomes below 0.00001.
gnomAD v4.1: 2 of 1,592,372 alleles (0.00013%); highest among the groups gnomAD compares: Non-Finnish European, 0.00017%; no homozygotes.

Submission:

Labcorp Genetics (formerly Invitae), Labcorp
Classification: Uncertain significance for NIK deficiency. Last evaluated: 2024-09-14. Review status: criteria provided, single submitter. Criteria: Invitae Variant Classification Sherloc (09022015). Collection method: clinical testing. Allele origin: germline.
Comment: This sequence change replaces glutamic acid, which is acidic and polar, with lysine, which is basic and polar, at codon 418 of the MAP3K14 protein (p.Glu418Lys). The frequency data for this variant in the population databases is considered unreliable, as metrics indicate poor data quality at this position in the gnomAD database. This variant has not been reported in the literature in individuals affected with MAP3K14-related conditions. ClinVar contains an entry for this variant (Variation ID: 856532). Experimental studies and prediction algorithms are not available or were not evaluated, and the functional significance of this variant is currently unknown. In summary, the available evidence is currently insufficient to determine the role of this variant in disease. Therefore, it has been classified as a Variant of Uncertain Significance.

NM_003954.5(MAP3K14):c.1252G>A (p.Glu418Lys)

Gene: MAP3K14 (mitogen-activated protein kinase kinase kinase 14; minus strand). Cytogenetic location: 17q21.31.
Variant type: single nucleotide variant.
Coding change: c.1252G>A on transcript NM_003954.5 (MANE Select); coding-DNA position 1252, G replaced by A.
Protein change: p.Glu418Lys; replaces glutamic acid 418 with lysine.
Molecular consequence: missense variant.
Genome position (GRCh38, 1-based): chr17:45,284,850, C>T on the plus strand (G>A on the coding strand, the complement: MAP3K14 is on the minus strand). VCF-style: chr17-45284850-C-T. GRCh37 (hg19) VCF-style: chr17-43362217-C-T.
Other names: short protein forms E418K.
Identifiers: ClinVar variation 856532 (VCV000856532.10), dbSNP rs749187758, ClinGen allele CA8614186.
Genomic context (GRCh38, chr17:45,284,850, plus strand): 5'-CAGCCCCTGAGCCCTGGCGTACCTTTTTGACAGCGCACTGGAAGCCAGTCTGCTTGTCCT[C>T]CATCCTGTGCACCTCTCCGAAGGAGCCTCTGCCCAGGCGGAGCTGGTGCGTGGCCCAGTG-3'
Protein context (NP_003945.2, residues 408-428): RGSFGEVHRM[Glu418Lys]DKQTGFQCAV